The following is an entry in ClinVar:

ClinVar aggregate classification (germline): Uncertain significance (1 of 4 stars; one submission).

Conditions:
Dyskeratosis congenita. Identifiers: Orphanet 1775, MedGen C0265965, MONDO:0015780.

Submission:

Labcorp Genetics (formerly Invitae), Labcorp
Classification: Uncertain significance for Dyskeratosis congenita. Last evaluated: 2019-10-19. Review status: criteria provided, single submitter. Criteria: Invitae Variant Classification Sherloc (09022015). Collection method: clinical testing. Allele origin: germline.
Comment: A gross deletion of the genomic region encompassing the full coding sequence of the NHP2 gene has been identified. The boundaries of this event are unknown as the deletion extends beyond the assayed region for this gene and therefore may encompass additional genes. This variant has not been reported in the literature in individuals with NHP2-related conditions. The current clinical and genetic evidence is not sufficient to establish whether loss-of-function variants in NHP2 cause disease. In summary, the available evidence is currently insufficient to determine the role of this variant in disease. Therefore, it has been classified as a Variant of Uncertain Significance.

NC_000005.10:g.(?_178149693)_(178153837_?)del

Gene: NHP2 (NHP2 ribonucleoprotein; minus strand). Cytogenetic location: 5q35.3.
Variant type: Deletion.
Identifiers: ClinVar variation 833388 (VCV000833388.1).